The following is an entry in ClinVar:

ClinVar aggregate classification (germline): Uncertain significance (1 of 4 stars; one submission).

Conditions:
Inborn genetic diseases. Identifiers: MedGen C0950123, MeSH D030342.

Allele frequency attached by ClinVar (database versions not stated): gnomAD exomes below 0.00001; TOPMed below 0.00001; gnomAD 0.00001.

Submission:

Ambry Genetics
Classification: Uncertain significance for Inborn genetic diseases. Last evaluated: 2018-04-16. Review status: criteria provided, single submitter. Criteria: Ambry Variant Classification Scheme 2023. Collection method: clinical testing. Allele origin: germline.
Comment: The p.A420S variant (also known as c.1258G>T), located in coding exon 9 of the MAN1B1 gene, results from a G to T substitution at nucleotide position 1258. The alanine at codon 420 is replaced by serine, an amino acid with similar properties. This amino acid position is not well conserved in available vertebrate species. In addition, the in silico prediction for this alteration is inconclusive. Since supporting evidence is limited at this time, the clinical significance of this alteration remains unclear.

NM_016219.5(MAN1B1):c.1258G>T (p.Ala420Ser)

Gene: MAN1B1 (mannosidase alpha class 1B member 1; plus strand). Cytogenetic location: 9q34.3.
Variant type: single nucleotide variant.
Coding change: c.1258G>T on transcript NM_016219.5 (MANE Select); coding-DNA position 1258, G replaced by T.
Protein change: p.Ala420Ser; replaces alanine 420 with serine.
Molecular consequence: missense variant. On other transcripts: non-coding transcript variant (2).
Genome position (GRCh38, 1-based): chr9:137,106,128, G>T. VCF-style: chr9-137106128-G-T. GRCh37 (hg19) VCF-style: chr9-140000580-G-T.
Other names: c.1150G>T, p.Ala384Ser (NM_007230.1); short protein forms A420S, A384S.
Identifiers: ClinVar variation 1762414 (VCV001762414.2), dbSNP rs756757871, ClinGen allele CA5359164.